The following is an entry in ClinVar:

ClinVar aggregate classification (germline): Uncertain significance. Review status: criteria provided, multiple submitters, no conflicts (2 of 4 stars). 2 submissions from 2 submitters: Uncertain significance (2). Last evaluated 2025-11-04.

Conditions:
Inborn genetic diseases. Identifiers: MedGen C0950123, MeSH D030342.

Allele frequency attached by ClinVar (database versions not stated): 1000 Genomes Project 30x 0.00016; 1000 Genomes Project 0.00020; ExAC 0.00021; ESP Exome Variant Server 0.00023; gnomAD 0.00032; TOPMed 0.00036; gnomAD exomes 0.00037.
gnomAD v4.1: 572 of 1,610,424 alleles (0.036%); highest among the groups gnomAD compares: African/African-American, 0.061%; 1 homozygote.

Submissions (2):

Labcorp Genetics (formerly Invitae), Labcorp
Classification: Uncertain significance. Last evaluated: 2025-11-04. Review status: criteria provided, single submitter. Criteria: Invitae Variant Classification Sherloc (09022015). Collection method: clinical testing. Allele origin: germline.
Comment: This sequence change replaces arginine, which is basic and polar, with histidine, which is basic and polar, at codon 581 of the H6PD protein (p.Arg581His). This variant is present in population databases (rs148493577, gnomAD 0.1%). This variant has not been reported in the literature in individuals affected with H6PD-related conditions. ClinVar contains an entry for this variant (Variation ID: 2270439). Invitae Evidence Modeling of protein sequence and biophysical properties (such as structural, functional, and spatial information, amino acid conservation, physicochemical variation, residue mobility, and thermodynamic stability) indicates that this missense variant is not expected to disrupt H6PD protein function with a negative predictive value of 80%. In summary, the available evidence is currently insufficient to determine the role of this variant in disease. Therefore, it has been classified as a Variant of Uncertain Significance.

Ambry Genetics
Classification: Uncertain significance for Inborn genetic diseases. Last evaluated: 2021-10-12. Review status: criteria provided, single submitter. Criteria: Ambry Variant Classification Scheme 2023. Collection method: clinical testing. Allele origin: germline.

NM_004285.4(H6PD):c.1742G>A (p.Arg581His)

Gene: H6PD (hexose-6-phosphate dehydrogenase/glucose 1-dehydrogenase; plus strand). Cytogenetic location: 1p36.22.
Variant type: single nucleotide variant.
Coding change: c.1742G>A on transcript NM_004285.4 (MANE Select); coding-DNA position 1742, G replaced by A.
Protein change: p.Arg581His; replaces arginine 581 with histidine.
Molecular consequence: missense variant.
Genome position (GRCh38, 1-based): chr1:9,264,235, G>A. VCF-style: chr1-9264235-G-A. GRCh37 (hg19) VCF-style: chr1-9324294-G-A.
Other names: c.1775G>A, p.Arg592His (NM_001282587.2); short protein forms R581H, R592H.
Identifiers: ClinVar variation 2270439 (VCV002270439.3), dbSNP rs148493577, ClinGen allele CA575402.
Genomic context (GRCh38, chr1:9,264,235, plus strand): 5'-AGGAGCTGATCTCTAAGCTGGCTAATGACATCGAGGCCACCGCTGTGCGAGCCGTGCGGC[G>A]CTTTGGCCAGTTCCACCTGGCACTGTCGGGGGGCTCGAGCCCCGTGGCCCTGTTCCAGCA-3'
Protein context (NP_004276.2, residues 571-591): IEATAVRAVR[Arg581His]FGQFHLALSG